The following is an entry in ClinVar:

NM_206933.4(USH2A):c.11745_11748del (p.Phe3916fs)

Gene: USH2A (usherin; minus strand). Cytogenetic location: 1q41.
Variant type: Deletion.
Coding change: c.11745_11748del on transcript NM_206933.4 (MANE Select); coding-DNA positions 11745 to 11748, 4 bases deleted (ATTT; older notation c.11745_11748delATTT).
Protein change: p.Phe3916fs; shifts the reading frame from phenylalanine 3916.
Molecular consequence: frameshift variant.
Genome position (GRCh38, 1-based): chr1:215,728,348-215,728,351, AAAT deleted on the plus strand (ATTT on the coding strand, the reverse complement: USH2A is on the minus strand); deleting any 4 consecutive bases within chr1:215,728,348-215,728,354 gives the same sequence; the c. name uses the placement nearest the transcript's 3' end. VCF-style (leftmost placement, unchanged base first): chr1-215728347-CAAAT-C. GRCh37 (hg19) VCF-style: chr1-215901689-CAAAT-C.
Other names: short protein forms F3916fs.
Identifiers: ClinVar variation 1456504 (VCV001456504.6), dbSNP rs2102713794, ClinGen allele CA2573131560.

ClinVar aggregate classification (germline): Pathogenic (1 of 4 stars; one submission).

Submission:

Labcorp Genetics (formerly Invitae), Labcorp
Classification: Pathogenic. Last evaluated: 2021-08-18. Review status: criteria provided, single submitter. Criteria: Invitae Variant Classification Sherloc (09022015). Collection method: clinical testing. Allele origin: germline.
Comment: For these reasons, this variant has been classified as Pathogenic. This variant has not been reported in the literature in individuals affected with USH2A-related conditions. This variant is not present in population databases (ExAC no frequency). This sequence change creates a premature translational stop signal (p.Phe3916Serfs*16) in the USH2A gene. It is expected to result in an absent or disrupted protein product. Loss-of-function variants in USH2A are known to be pathogenic (PMID: 10729113, 10909849, 20507924, 25649381).

Literature cited by the submitters: PubMed 10729113; PubMed 10909849; PubMed 20507924; PubMed 25649381.